The following is an entry in ClinVar:

NM_018684.4(ZC4H2):c.206T>C (p.Ile69Thr)

Gene: ZC4H2 (zinc finger C4H2-type containing; minus strand). Cytogenetic location: Xq11.2.
Variant type: single nucleotide variant.
Coding change: c.206T>C on transcript NM_018684.4 (MANE Select); coding-DNA position 206, T replaced by C.
Protein change: p.Ile69Thr; replaces isoleucine 69 with threonine.
Molecular consequence: missense variant. On other transcripts: non-coding transcript variant (1).
Genome position (GRCh38, 1-based): chrX:64,921,836, A>G on the plus strand (T>C on the coding strand, the complement: ZC4H2 is on the minus strand). VCF-style: chrX-64921836-A-G. GRCh37 (hg19) VCF-style: chrX-64141716-A-G.
Other names: c.137T>C, p.Ile46Thr (NM_001178032.3, NM_001243804.2); c.206T>C, p.Ile69Thr (NM_001178033.3); short protein forms I46T, I69T.
Identifiers: ClinVar variation 3365433 (VCV003365433.2).

ClinVar aggregate classification (germline): Uncertain significance (1 of 4 stars; one submission).

Submission:

GeneDx
Classification: Uncertain significance. Last evaluated: 2026-09-14. Review status: criteria provided, single submitter. Criteria: GeneDx Variant Classification Process June 2021. Collection method: clinical testing. Allele origin: germline.
Comment: Not observed at significant frequency in large population cohorts (gnomAD); In silico analysis supports that this missense variant has a deleterious effect on protein structure/function; Has not been previously published as pathogenic or benign to our knowledge